The following is an entry in ClinVar:

NM_001165963.4(SCN1A):c.300C>A (p.Phe100Leu)

Gene: SCN1A (sodium voltage-gated channel alpha subunit 1; minus strand). Cytogenetic location: 2q24.3.
Variant type: single nucleotide variant.
Coding change: c.300C>A on transcript NM_001165963.4 (MANE Select); coding-DNA position 300, C replaced by A.
Protein change: p.Phe100Leu; replaces phenylalanine 100 with leucine.
Molecular consequence: missense variant. On other transcripts: 5 prime UTR variant (1), non-coding transcript variant (1).
Genome position (GRCh38, 1-based): chr2:166,058,653, G>T on the plus strand (C>A on the coding strand, the complement: SCN1A is on the minus strand). VCF-style: chr2-166058653-G-T. GRCh37 (hg19) VCF-style: chr2-166915163-G-T.
Other names: c.300C>A, p.Phe100Leu (NM_001165964.3, NM_001202435.3, NM_001353948.2 and 10 more transcripts); c.-2126C>A (NM_001353961.2); short protein forms F100L.
Identifiers: ClinVar variation 3634068 (VCV003634068.2).

ClinVar aggregate classification (germline): Likely pathogenic (1 of 4 stars; one submission).

Conditions:
Early-infantile DEE. Also called: Early infantile epileptic encephalopathy; Ohtahara syndrome; Early infantile epileptic encephalopathy with suppression bursts. Identifiers: Orphanet 1934, MedGen C0393706, MONDO:0800491.

Submission:

Labcorp Genetics (formerly Invitae), Labcorp
Classification: Likely pathogenic for Early-infantile DEE. Last evaluated: 2024-10-27. Review status: criteria provided, single submitter. Criteria: Invitae Variant Classification Sherloc (09022015). Collection method: clinical testing. Allele origin: germline.
Comment: This sequence change replaces phenylalanine, which is neutral and non-polar, with leucine, which is neutral and non-polar, at codon 100 of the SCN1A protein (p.Phe100Leu). This variant is not present in population databases (gnomAD no frequency). This variant has not been reported in the literature in individuals affected with SCN1A-related conditions. Invitae Evidence Modeling of protein sequence and biophysical properties (such as structural, functional, and spatial information, amino acid conservation, physicochemical variation, residue mobility, and thermodynamic stability) indicates that this missense variant is expected to disrupt SCN1A protein function with a positive predictive value of 95%. Algorithms developed to predict the effect of sequence changes on RNA splicing suggest that this variant may disrupt the consensus splice site. This variant disrupts the p.Phe100 amino acid residue in SCN1A. Other variant(s) that disrupt this residue have been determined to be pathogenic (PMID: 31164858). This suggests that this residue is clinically significant, and that variants that disrupt this residue are likely to be disease-causing. In summary, the currently available evidence indicates that the variant is pathogenic, but additional data are needed to prove that conclusively. Therefore, this variant has been classified as Likely Pathogenic.

Literature cited by the submitters: PubMed 31164858.